The following is an entry in ClinVar:

NM_000465.4(BARD1):c.1036G>A (p.Asp346Asn)

Gene: BARD1 (BRCA1 associated RING domain 1; minus strand). Cytogenetic location: 2q35.
Variant type: single nucleotide variant.
Coding change: c.1036G>A on transcript NM_000465.4 (MANE Select); coding-DNA position 1036, G replaced by A.
Protein change: p.Asp346Asn; replaces aspartic acid 346 with asparagine.
Molecular consequence: missense variant. On other transcripts: non-coding transcript variant (2), intron variant (3).
Genome position (GRCh38, 1-based): chr2:214,780,838, C>T on the plus strand (G>A on the coding strand, the complement: BARD1 is on the minus strand). VCF-style: chr2-214780838-C-T. GRCh37 (hg19) VCF-style: chr2-215645562-C-T.
Other names: c.1036G>A (NM_000465.2); c.979G>A, p.Asp327Asn (NM_001282543.2); c.159-28283G>A (NM_001282548.2); c.215+16223G>A (NM_001282545.2); c.364+11459G>A (NM_001282549.2); short protein forms D327N, D346N.
Identifiers: ClinVar variation 2135281 (VCV002135281.5), dbSNP rs1694968440, ClinGen allele CA350454239.

ClinVar aggregate classification (germline): Conflicting classifications of pathogenicity. Review status: criteria provided, conflicting classifications (1 of 4 stars). 2 submissions from 2 submitters: Uncertain significance (1); Likely benign (1). Last evaluated 2025-10-07.

Conditions:
Familial cancer of breast. Also called: Hereditary breast cancer; BREAST CANCER, FAMILIAL; hereditary breast carcinoma. Identifiers: Orphanet 227535, MedGen C0346153, MONDO:0016419, OMIM 114480. Disease mechanism: loss of function.
Hereditary cancer-predisposing syndrome. Also called: Hereditary neoplastic syndrome; Hereditary Cancer Syndrome; Tumor predisposition; Neoplastic Syndromes, Hereditary. Identifiers: Orphanet 140162, MedGen C0027672, MeSH D009386, MONDO:0015356.

Submissions (2):

Ambry Genetics
Classification: Likely benign for Hereditary cancer-predisposing syndrome. Last evaluated: 2025-10-07. Review status: criteria provided, single submitter. Criteria: Ambry Variant Classification Scheme 2023. Collection method: clinical testing. Allele origin: germline.

Labcorp Genetics (formerly Invitae), Labcorp
Classification: Uncertain significance for Familial cancer of breast. Last evaluated: 2022-05-07. Review status: criteria provided, single submitter. Criteria: Invitae Variant Classification Sherloc (09022015). Collection method: clinical testing. Allele origin: germline.
Comment: This variant has not been reported in the literature in individuals affected with BARD1-related conditions. Algorithms developed to predict the effect of missense changes on protein structure and function output the following: SIFT: "Tolerated"; PolyPhen-2: "Benign"; Align-GVGD: "Class C0". The asparagine amino acid residue is found in multiple mammalian species, which suggests that this missense change does not adversely affect protein function. In summary, the available evidence is currently insufficient to determine the role of this variant in disease. Therefore, it has been classified as a Variant of Uncertain Significance. This sequence change replaces aspartic acid, which is acidic and polar, with asparagine, which is neutral and polar, at codon 346 of the BARD1 protein (p.Asp346Asn). This variant is not present in population databases (gnomAD no frequency).